The following is an entry in ClinVar:

NM_004360.5(CDH1):c.140A>G (p.Glu47Gly)

Gene: CDH1 (cadherin 1; plus strand). Cytogenetic location: 16q22.1.
Variant type: single nucleotide variant.
Coding change: c.140A>G on transcript NM_004360.5 (MANE Select); coding-DNA position 140, A replaced by G.
Protein change: p.Glu47Gly; replaces glutamic acid 47 with glycine.
Molecular consequence: missense variant. On other transcripts: 5 prime UTR variant (2).
Genome position (GRCh38, 1-based): chr16:68,738,388, A>G. VCF-style: chr16-68738388-A-G. GRCh37 (hg19) VCF-style: chr16-68772291-A-G.
Other names: c.140A>G, p.Glu47Gly (NM_001317184.2); c.-1476A>G (NM_001317185.2); c.-1680A>G (NM_001317186.2); c.140A>G (NM_004360.3); short protein forms E47G.
Identifiers: ClinVar variation 1394796 (VCV001394796.13), dbSNP rs2152114458, ClinGen allele CA396452230.

ClinVar aggregate classification (germline): Conflicting classifications of pathogenicity. Review status: criteria provided, conflicting classifications (1 of 4 stars). 2 submissions from 2 submitters: Uncertain significance (1); Likely benign (1). Last evaluated 2026-07-07.

Conditions:
Hereditary cancer-predisposing syndrome. Also called: Hereditary Cancer Syndrome; Neoplastic Syndromes, Hereditary; Hereditary neoplastic syndrome; Tumor predisposition. Identifiers: Orphanet 140162, MedGen C0027672, MeSH D009386, MONDO:0015356.
Hereditary diffuse gastric adenocarcinoma (HDGC). Also called: DIFFUSE GASTRIC AND LOBULAR BREAST CANCER SYNDROME. Identifiers: Orphanet 26106, MedGen C1708349, MONDO:0007648, OMIM 137215.

Submissions (2):

Ambry Genetics
Classification: Likely benign for Hereditary cancer-predisposing syndrome. Last evaluated: 2026-07-07. Review status: criteria provided, single submitter. Criteria: Ambry Variant Classification Scheme 2023. Collection method: clinical testing. Allele origin: germline.

Labcorp Genetics (formerly Invitae), Labcorp
Classification: Uncertain significance for Hereditary diffuse gastric adenocarcinoma. Last evaluated: 2022-07-26. Review status: criteria provided, single submitter. Criteria: Invitae Variant Classification Sherloc (09022015). Collection method: clinical testing. Allele origin: germline.
Comment: This sequence change replaces glutamic acid, which is acidic and polar, with glycine, which is neutral and non-polar, at codon 47 of the CDH1 protein (p.Glu47Gly). This variant is not present in population databases (gnomAD no frequency). This variant has not been reported in the literature in individuals affected with CDH1-related conditions. ClinVar contains an entry for this variant (Variation ID: 1394796). Algorithms developed to predict the effect of missense changes on protein structure and function (SIFT, PolyPhen-2, Align-GVGD) all suggest that this variant is likely to be tolerated. In summary, the available evidence is currently insufficient to determine the role of this variant in disease. Therefore, it has been classified as a Variant of Uncertain Significance.